The following is an entry in ClinVar:

ClinVar aggregate classification (germline): Pathogenic. Review status: criteria provided, multiple submitters, no conflicts (2 of 4 stars). 6 submissions from 6 submitters: Pathogenic (6). Last evaluated 2025-10-15.

Conditions:
Arthrogryposis, renal dysfunction, and cholestasis 2 (ARCS2). Identifiers: Orphanet 2697, MedGen C3150672, MONDO:0013255, OMIM 613404.
Arthrogryposis with renal dysfunction and cholestasis syndrome. Also called: ARC Syndrome; Arthrogryposis-renal dysfunction-cholestasis syndrome. Identifiers: Orphanet 2697, MedGen C4551984, MONDO:0017123.

Allele frequency attached by ClinVar (database versions not stated): gnomAD 0.00001; ExAC 0.00002; gnomAD exomes 0.00002.
gnomAD v4.1: 31 of 1,613,636 alleles (0.0019%); highest among the groups gnomAD compares: Middle Eastern, 0.016%; no homozygotes.

Submissions (6):

Labcorp Genetics (formerly Invitae), Labcorp
Classification: Pathogenic. Last evaluated: 2025-10-15. Review status: criteria provided, single submitter. Criteria: Invitae Variant Classification Sherloc (09022015). Collection method: clinical testing. Allele origin: germline.
Comment: This sequence change creates a premature translational stop signal (p.Arg270*) in the VIPAS39 gene. It is expected to result in an absent or disrupted protein product. Loss-of-function variants in VIPAS39 are known to be pathogenic (PMID: 20190753, 22753090). This variant is present in population databases (rs755556421, gnomAD 0.01%). This premature translational stop signal has been observed in individual(s) with arthrogryposis, renal dysfunction, and cholestasis (PMID: 20190753). ClinVar contains an entry for this variant (Variation ID: 2572863). For these reasons, this variant has been classified as Pathogenic.

Genomic Medicine Center of Excellence, King Faisal Specialist Hospital and Research Centre
Classification: Pathogenic for Arthrogryposis, renal dysfunction, and cholestasis 2. Last evaluated: 2024-03-14. Review status: criteria provided, single submitter. Criteria: ACMG Guidelines, 2015. Collection method: research. Allele origin: germline.

GeneDx
Classification: Pathogenic. Last evaluated: 2023-01-13. Review status: criteria provided, single submitter. Criteria: GeneDx Variant Classification Process June 2021. Collection method: clinical testing. Allele origin: germline. Affected: yes.
Comment: Nonsense variant predicted to result in protein truncation or nonsense mediated decay in a gene for which loss of function is a known mechanism of disease; Not observed at significant frequency in large population cohorts (gnomAD); This variant is associated with the following publications: (PMID: 25239142, 25947942, 20190753)

Laboratory for Molecular Medicine, Mass General Brigham Personalized Medicine
Classification: Pathogenic for Arthrogryposis with renal dysfunction and cholestasis syndrome. Last evaluated: 2017-04-02. Review status: criteria provided, single submitter. Criteria: ACMG Guidelines, 2015. Collection method: clinical testing. Allele origin: germline. Inheritance: Autosomal recessive inheritance.
Comment: The p.Arg270X variant in VIPAS39 has been reported in 1 homozygous individual with arthrogryposis, renal dysfunction and cholestasis syndrome (ARC) (Cullicane 2010), and has also been identified in 2/121360 chromosomes by the Exome Aggregation Consortium (ExAC; dbSNP rs755556421). Although this variant has been seen in the general population, its frequency is low enough to be consistent with a recessive carrier frequency. This nonsense variant leads to a premature termination codon at position 270 which is predicted to lead to a truncated or absent protein. Biallelic loss of function of VIPAS39 has been shown to cause ARC. In summary, this variant meets criteria to be classified as pathogenic for arthrogryposis, renal dysfunction and cholestasis syndrome in an autosomal recessive manner.

Institute for Medical Genetics and Human Genetics, Charité - Universitätsmedizin Berlin
Classification: Pathogenic for Arthrogryposis, renal dysfunction, and cholestasis 2. Review status: criteria provided, single submitter. Criteria: ACMG Guidelines, 2015. Collection method: not provided. Allele origin: germline. Inheritance: Autosomal recessive inheritance. Affected: yes.

Juno Genomics, Hangzhou Juno Genomics, Inc
Classification: Pathogenic for Arthrogryposis, renal dysfunction, and cholestasis 2. Review status: criteria provided, single submitter. Criteria: ACMG Guidelines, 2015. Collection method: clinical testing. Allele origin: germline.
Comment: Absent from controls (or at extremely low frequency if recessive) in Genome Aggregation Database.;Null variant in a gene where loss of function (LOF) is a known mechanism of disease.;For recessive disorders, detected in trans with a pathogenic variant.;Patient's phenotype or family history is highly specific for a disease with a single genetic etiology.

Literature cited by the submitters: PubMed 20190753 (cited by Labcorp Genetics (formerly Invitae), Labcorp and Laboratory for Molecular Medicine, Mass General Brigham Personalized Medicine); PubMed 22753090 (cited by Labcorp Genetics (formerly Invitae), Labcorp).

NM_001193315.2(VIPAS39):c.808C>T (p.Arg270Ter)

Gene: VIPAS39 (VPS33B interacting protein, apical-basolateral polarity regulator, spe-39 homolog; minus strand). Cytogenetic location: 14q24.3.
Variant type: single nucleotide variant.
Coding change: c.808C>T on transcript NM_001193315.2 (MANE Select); coding-DNA position 808, C replaced by T.
Protein change: p.Arg270Ter; replaces arginine 270 with a stop codon.
Molecular consequence: nonsense. On other transcripts: intron variant (2), non-coding transcript variant (1).
Genome position (GRCh38, 1-based): chr14:77,437,836, G>A on the plus strand (C>T on the coding strand, the complement: VIPAS39 is on the minus strand). VCF-style: chr14-77437836-G-A. GRCh37 (hg19) VCF-style: chr14-77904179-G-A.
Other names: c.808C>T, p.Arg270Ter (NM_001193314.2, NM_001193317.2, NM_001400326.1 and 6 more transcripts); c.661C>T, p.Arg221Ter (NM_001193316.2, NM_001400324.1, NM_001400325.1); c.775C>T, p.Arg259Ter (NM_001400327.1); c.735-1917C>T (NM_001400338.1); c.762+3230C>T (NM_001400339.1); c.715C>T, p.Arg239Ter (NM_001400333.1, NM_001400334.1); c.568C>T, p.Arg190Ter (NM_001400337.1); short protein forms R190*, R221*, R239*, R259*, R270*.
Identifiers: ClinVar variation 2572863 (VCV002572863.8), dbSNP rs755556421, ClinGen allele CA7287955.